The following is an entry in ClinVar:

ClinVar aggregate classification (germline): Uncertain significance (1 of 4 stars; one submission).

Allele frequency attached by ClinVar (database versions not stated): TOPMed below 0.00001.

Submission:

Labcorp Genetics (formerly Invitae), Labcorp
Classification: Uncertain significance. Last evaluated: 2024-01-05. Review status: criteria provided, single submitter. Criteria: Invitae Variant Classification Sherloc (09022015). Collection method: clinical testing. Allele origin: germline.
Comment: This sequence change replaces threonine, which is neutral and polar, with isoleucine, which is neutral and non-polar, at codon 1254 of the SAMD9L protein (p.Thr1254Ile). This variant is not present in population databases (gnomAD no frequency). This variant has not been reported in the literature in individuals affected with SAMD9L-related conditions. Algorithms developed to predict the effect of missense changes on protein structure and function output the following: SIFT: "Not Available"; PolyPhen-2: "Benign"; Align-GVGD: "Not Available". The isoleucine amino acid residue is found in multiple mammalian species, which suggests that this missense change does not adversely affect protein function. In summary, the available evidence is currently insufficient to determine the role of this variant in disease. Therefore, it has been classified as a Variant of Uncertain Significance.

NM_152703.5(SAMD9L):c.3761C>T (p.Thr1254Ile)

Gene: SAMD9L (sterile alpha motif domain containing 9 like; minus strand). Cytogenetic location: 7q21.2.
Variant type: single nucleotide variant.
Coding change: c.3761C>T on transcript NM_152703.5 (MANE Select); coding-DNA position 3761, C replaced by T.
Protein change: p.Thr1254Ile; replaces threonine 1254 with isoleucine.
Molecular consequence: missense variant.
Genome position (GRCh38, 1-based): chr7:93,132,211, G>A on the plus strand (C>T on the coding strand, the complement: SAMD9L is on the minus strand). VCF-style: chr7-93132211-G-A. GRCh37 (hg19) VCF-style: chr7-92761524-G-A.
Other names: c.3761C>T, p.Thr1254Ile (NM_001303496.3, NM_001303497.3, NM_001303498.3 and 5 more transcripts); short protein forms T1254I.
Identifiers: ClinVar variation 2795792 (VCV002795792.3), dbSNP rs1169557029, ClinGen allele CA368180171.